The following is an entry in ClinVar:

ClinVar aggregate classification (germline): Uncertain significance. Review status: criteria provided, multiple submitters, no conflicts (2 of 4 stars). 2 submissions from 2 submitters: Uncertain significance (2). Last evaluated 2025-02-24.

Conditions:
Landau-Kleffner syndrome (FESD). Also called: EPILEPSY, FOCAL, WITH SPEECH DISORDER AND WITH OR WITHOUT MENTAL RETARDATION; APHASIA, ACQUIRED, WITH EPILEPSY. Identifiers: Orphanet 1945, Orphanet 725, Orphanet 98818, MedGen C0282512, MONDO:0009509, OMIM 245570.

Allele frequency attached by ClinVar (database versions not stated): TOPMed 0.00001.
gnomAD v4.1: 13 of 1,613,930 alleles (0.00081%); highest among the groups gnomAD compares: Non-Finnish European, 0.0011%; no homozygotes.

Submissions (2):

Labcorp Genetics (formerly Invitae), Labcorp
Classification: Uncertain significance for Landau-Kleffner syndrome. Last evaluated: 2025-02-24. Review status: criteria provided, single submitter. Criteria: Invitae Variant Classification Sherloc (09022015). Collection method: clinical testing. Allele origin: germline.
Comment: This sequence change replaces isoleucine, which is neutral and non-polar, with leucine, which is neutral and non-polar, at codon 313 of the GRIN2A protein (p.Ile313Leu). This variant is not present in population databases (gnomAD no frequency). This variant has not been reported in the literature in individuals affected with GRIN2A-related conditions. ClinVar contains an entry for this variant (Variation ID: 1311629). Invitae Evidence Modeling of protein sequence and biophysical properties (such as structural, functional, and spatial information, amino acid conservation, physicochemical variation, residue mobility, and thermodynamic stability) indicates that this missense variant is not expected to disrupt GRIN2A protein function with a negative predictive value of 95%. In summary, the available evidence is currently insufficient to determine the role of this variant in disease. Therefore, it has been classified as a Variant of Uncertain Significance.

GeneDx
Classification: Uncertain significance. Last evaluated: 2020-09-01. Review status: criteria provided, single submitter. Criteria: GeneDx Variant Classification Process June 2021. Collection method: clinical testing. Allele origin: germline. Affected: yes.
Comment: Not observed in large population cohorts (Lek et al., 2016); In silico analysis, which includes protein predictors and evolutionary conservation, supports that this variant does not alter protein structure/function; Has not been previously published as pathogenic or benign to our knowledge

NM_001134407.3(GRIN2A):c.937A>C (p.Ile313Leu)

Gene: GRIN2A (glutamate ionotropic receptor NMDA type subunit 2A; minus strand). Cytogenetic location: 16p13.2.
Variant type: single nucleotide variant.
Coding change: c.937A>C on transcript NM_001134407.3 (MANE Select); coding-DNA position 937, A replaced by C.
Protein change: p.Ile313Leu; replaces isoleucine 313 with leucine.
Molecular consequence: missense variant.
Genome position (GRCh38, 1-based): chr16:9,938,029, T>G on the plus strand (A>C on the coding strand, the complement: GRIN2A is on the minus strand). VCF-style: chr16-9938029-T-G. GRCh37 (hg19) VCF-style: chr16-10031886-T-G.
Other names: c.937A>C, p.Ile313Leu (NM_000833.5, NM_001134408.2); short protein forms I313L.
Identifiers: ClinVar variation 1311629 (VCV001311629.7), dbSNP rs1465063447, ClinGen allele CA394798182.